The following is an entry in ClinVar:

NM_004183.4(BEST1):c.680A>G (p.Tyr227Cys)

Gene: BEST1 (bestrophin 1; plus strand). Cytogenetic location: 11q12.3.
Variant type: single nucleotide variant.
Coding change: c.680A>G on transcript NM_004183.4 (MANE Select); coding-DNA position 680, A replaced by G.
Protein change: p.Tyr227Cys; replaces tyrosine 227 with cysteine.
Molecular consequence: missense variant. On other transcripts: non-coding transcript variant (1).
Genome position (GRCh38, 1-based): chr11:61,957,430, A>G. VCF-style: chr11-61957430-A-G. GRCh37 (hg19) VCF-style: chr11-61724902-A-G.
Other names: c.500A>G, p.Tyr167Cys (NM_001139443.3, NM_001300786.2, NM_001300787.2); c.362A>G, p.Tyr121Cys (NM_001363591.3); c.680A>G, p.Tyr227Cys (NM_001363592.2); c.-496A>G (NM_001363593.3); short protein forms Y227C, Y121C, Y167C.
Identifiers: ClinVar variation 2749 (VCV000002749.15), dbSNP rs267606677, ClinGen allele CA115733.

ClinVar aggregate classification (germline): Pathogenic/Likely pathogenic. Review status: criteria provided, multiple submitters, no conflicts (2 of 4 stars). 7 submissions from 6 submitters: Pathogenic (2); Likely pathogenic (2). 3 of the submissions do not count toward it. Last evaluated 2025-09-26.

Conditions:
BEST1-related disorder. Also called: BEST1-related condition; BEST1-related disorders. Identifiers: MedGen CN239200.
Retinitis pigmentosa 50 (RP50). Also called: Retinitis pigmentosa, concentric. Identifiers: Orphanet 791, MedGen C2750789, MONDO:0013175, OMIM 613194.
Vitelliform macular dystrophy 2. Also called: Best Vitelliform Macular Dystrophy (BVMD); VITELLIFORM MACULAR DYSTROPHY, EARLY-ONSET; VITELLIFORM MACULAR DYSTROPHY, JUVENILE-ONSET; Best vitelliform macular dystrophy, multifocal; MACULAR DEGENERATION, POLYMORPHIC VITELLINE; Best Macular Dystrophy. Identifiers: Orphanet 1243, MedGen C2745945, MONDO:0007931, OMIM 153700.

Submissions (7):

PreventionGenetics, part of Exact Sciences
Classification: Likely pathogenic for BEST1-related condition. Last evaluated: 2025-09-26. Review status: criteria provided, single submitter. Criteria: ACMG Guidelines, 2015. Collection method: clinical testing. Allele origin: germline.
Comment: The BEST1 c.680A>G variant is predicted to result in the amino acid substitution p.Tyr227Cys. This variant has been reported in individuals with autosomal dominant Best vitelliform macular dystrophy (see for example: Marquardt et al. 1998. PubMed ID: 9700209; Supplemental Table 1, Stone et al. 2017. PubMed ID: 28559085; Supplementary table 1, Wang et al. 2022. PubMed ID: 35973442). Alternate substitutions of this amino acid residue (p.Tyr227Phe and p.Tyr227Asn) have also been reported in individuals with autosomal dominant Best disease (Wabbels et al. 2006. PubMed ID: 16612637; Petrukhin et al. 1998. PubMed ID: 9662395). The p.Tyr227Cys variant occurs within the amino acid region considered a mutational hotspot, where variants have been reported in association with retinal disease (Boon et al. 2016. PubMed ID: 19375515). This variant has not been reported in a large population database (gnomAD), indicating this variant is rare. This variant is interpreted as likely pathogenic for autosomal dominant disease.

GeneDx
Classification: Likely pathogenic. Last evaluated: 2025-08-29. Review status: criteria provided, single submitter. Criteria: GeneDx Variant Classification Process June 2021. Collection method: clinical testing. Allele origin: germline. Affected: yes.
Comment: Not observed at significant frequency in large population cohorts (gnomAD); In silico analysis supports that this missense variant has a deleterious effect on protein structure/function; This variant is associated with the following publications: (PMID: 24560797, 19853238, 26418331, 9700209, 10798642, 30582078, 27548040, 28559085, 35973442)

Labcorp Genetics (formerly Invitae), Labcorp
Classification: Pathogenic. Last evaluated: 2025-08-03. Review status: criteria provided, single submitter. Criteria: Invitae Variant Classification Sherloc (09022015). Collection method: clinical testing. Allele origin: germline.
Comment: This sequence change replaces tyrosine, which is neutral and polar, with cysteine, which is neutral and slightly polar, at codon 227 of the BEST1 protein (p.Tyr227Cys). This variant is not present in population databases (gnomAD no frequency). This missense change has been observed in individuals with autosomal dominant Best disease (PMID: 9700209, 26418331, 28559085, 30582078). This variant is also known as p.Tyr167Cys. ClinVar contains an entry for this variant (Variation ID: 2749). Invitae Evidence Modeling of protein sequence and biophysical properties (such as structural, functional, and spatial information, amino acid conservation, physicochemical variation, residue mobility, and thermodynamic stability) indicates that this missense variant is expected to disrupt BEST1 protein function with a positive predictive value of 95%. For these reasons, this variant has been classified as Pathogenic.

Blueprint Genetics
Classification: Pathogenic for BEST1-related disorders. Last evaluated: 2020-11-20. Review status: criteria provided, single submitter. Criteria: ACMG Guidelines, 2015. Collection method: clinical testing. Allele origin: germline. Affected: yes. Observed: 3 variant alleles.

OMIM
Classification: Pathogenic for MACULAR DYSTROPHY, VITELLIFORM, 2. Last evaluated: 2009-11-01. Review status: no assertion criteria provided. Collection method: literature only. Allele origin: germline. Not counted in ClinVar's aggregate classification.

OMIM
Classification: Pathogenic for RETINITIS PIGMENTOSA, CONCENTRIC. Last evaluated: 2009-11-01. Review status: no assertion criteria provided. Collection method: literature only. Allele origin: germline. Not counted in ClinVar's aggregate classification.

Retina International
No classification provided. Review status: no classification provided. Collection method: not provided. Allele origin: not provided. Not counted in ClinVar's aggregate classification.

Literature cited by the submitters: PubMed 9700209 (cited by Labcorp Genetics (formerly Invitae), Labcorp and OMIM); PubMed 26418331 (cited by Labcorp Genetics (formerly Invitae), Labcorp); PubMed 28559085 (cited by Labcorp Genetics (formerly Invitae), Labcorp); PubMed 30582078 (cited by Labcorp Genetics (formerly Invitae), Labcorp); PubMed 19853238 (cited by OMIM).